The following is an entry in ClinVar:

ClinVar aggregate classification (germline): Benign/Likely benign. Review status: criteria provided, multiple submitters, no conflicts (2 of 4 stars). 7 submissions from 7 submitters: Benign (3); Likely benign (2). 2 of the submissions do not count toward it. Last evaluated 2026-01-31.

Conditions:
Dilated cardiomyopathy 1O (CMD1O). Also called: CARDIOMYOPATHY, DILATED, WITH VENTRICULAR TACHYCARDIA. Identifiers: Orphanet 154, MedGen C1837839, MONDO:0012062, OMIM 608569.

Submissions (7):

Labcorp Genetics (formerly Invitae), Labcorp
Classification: Benign for Dilated cardiomyopathy 1O. Last evaluated: 2026-01-31. Review status: criteria provided, single submitter. Criteria: Invitae Variant Classification Sherloc (09022015). Collection method: clinical testing. Allele origin: germline.

Blueprint Genetics
Classification: Likely benign. Last evaluated: 2024-10-02. Review status: criteria provided, single submitter. Criteria: ACMG Guidelines, 2015. Collection method: clinical testing. Allele origin: germline.

ARUP Laboratories, Molecular Genetics and Genomics, ARUP Laboratories
Classification: Benign. Last evaluated: 2020-10-01. Review status: criteria provided, single submitter. Criteria: ARUP Molecular Germline Variant Investigation Process 2021. Collection method: clinical testing. Allele origin: germline.

Women's Health and Genetics/Laboratory Corporation of America, LabCorp
Classification: Benign. Last evaluated: 2019-12-16. Review status: criteria provided, single submitter. Criteria: LabCorp Variant Classification Summary - May 2015. Collection method: clinical testing. Allele origin: germline.
Comment: Variant summary: ABCC9 c.817-18delT alters a non-conserved nucleotide located close to a canonical splice site and therefore could affect mRNA splicing, leading to a significantly altered protein sequence. 4/4 computational tools predict no significant impact on normal splicing. However, these predictions have yet to be confirmed by functional studies. The variant allele was found at a frequency of 0.0027 in 103156 control chromosomes. The observed variant frequency is approximately 107 fold of the estimated maximal expected allele frequency for a pathogenic variant in ABCC9 causing Cardiomyopathy phenotype (2.5e-05), strongly suggesting that the variant is benign. No clinical diagnostic laboratories have submitted clinical-significance assessments for this variant to ClinVar after 2014. Based on the evidence outlined above, the variant was classified as benign.

GeneDx
Classification: Likely benign. Last evaluated: 2019-08-23. Review status: criteria provided, single submitter. Criteria: GeneDx Variant Classification Process June 2021. Collection method: clinical testing. Allele origin: germline. Affected: yes.

Clinical Genetics, Academic Medical Center
Classification: Benign. Review status: no assertion criteria provided. Collection method: clinical testing. Allele origin: germline. Affected: yes. Study: VKGL Data-share Consensus. Not counted in ClinVar's aggregate classification.

Genome Diagnostics Laboratory, University Medical Center Utrecht
Classification: Likely benign. Review status: no assertion criteria provided. Collection method: clinical testing. Allele origin: germline. Affected: yes. Study: VKGL Data-share Consensus. Not counted in ClinVar's aggregate classification.

NM_020297.4(ABCC9):c.817-18del

Gene: ABCC9 (ATP binding cassette subfamily C member 9; minus strand). Cytogenetic location: 12p12.1.
Variant type: Deletion.
Coding change: c.817-18del on transcript NM_020297.4 (MANE Select); 18 bases into the intron before coding-DNA position 817, one base deleted (T; older notation c.817-18delT).
Molecular consequence: intron variant.
Genome position (GRCh38, 1-based): chr12:21,913,084, A deleted on the plus strand (T on the coding strand, the reverse complement: ABCC9 is on the minus strand); the first of 10 consecutive A bases (chr12:21,913,084-21,913,093); deleting any one gives the same sequence. VCF-style (leftmost placement, unchanged base first): chr12-21913083-GA-G. GRCh37 (hg19) VCF-style: chr12-22066017-GA-G.
Other names: c.-48-18del (NM_001377274.1); c.817-18del (NM_005691.4, NM_001377273.1).
Identifiers: ClinVar variation 928912 (VCV000928912.22), dbSNP rs199947733, ClinGen allele CA6481801.